The following is an entry in ClinVar:

NM_001127671.2(LIFR):c.2302A>G (p.Arg768Gly)

Gene: LIFR (LIF receptor subunit alpha; minus strand). Cytogenetic location: 5p13.1.
Variant type: single nucleotide variant.
Coding change: c.2302A>G on transcript NM_001127671.2 (MANE Select); coding-DNA position 2302, A replaced by G.
Protein change: p.Arg768Gly; replaces arginine 768 with glycine.
Molecular consequence: missense variant.
Genome position (GRCh38, 1-based): chr5:38,489,111, T>C on the plus strand (A>G on the coding strand, the complement: LIFR is on the minus strand). VCF-style: chr5-38489111-T-C. GRCh37 (hg19) VCF-style: chr5-38489213-T-C.
Other names: c.2302A>G, p.Arg768Gly (NM_002310.6, NM_001364297.2, NM_001364298.2); short protein forms R768G.
Identifiers: ClinVar variation 194624 (VCV000194624.61), dbSNP rs139848756, ClinGen allele CA240706.

ClinVar aggregate classification (germline): Conflicting classifications of pathogenicity. Review status: criteria provided, conflicting classifications (1 of 4 stars). 11 submissions from 11 submitters: Uncertain significance (3); Likely benign (7). 1 of the submissions does not count toward it. Last evaluated 2026-06-15.

Conditions:
Stüve-Wiedemann syndrome 1. Also called: STUVE-WIEDEMANN/SCHWARTZ-JAMPEL TYPE 2 SYNDROME. Identifiers: Orphanet 3206, MedGen C5676888, MONDO:0800043, OMIM 601559.
Connective tissue disorder. Also called: Connective tissue disease. Identifiers: MedGen C0009782, MONDO:0003900.
LIFR-related disorder. Also called: LIFR-related condition.
Stuve-Wiedemann syndrome (STWS). Also called: Stüve-Wiedemann syndrome. Identifiers: Orphanet 3206, MedGen C0796176, MONDO:0031280.

Allele frequency attached by ClinVar (database versions not stated): ESP Exome Variant Server 0.00131; gnomAD exomes 0.00172 and 0.00090; gnomAD 0.00107 and 0.00112; TOPMed 0.00108; 1000 Genomes Project 30x 0.00078; ExAC 0.00079; 1000 Genomes Project 0.00100.
gnomAD v4.1: 2,703 of 1,613,144 alleles (0.17%); highest among the groups gnomAD compares: Non-Finnish European, 0.2%; 8 homozygotes.

Submissions (11):

Women's Health and Genetics/Laboratory Corporation of America, LabCorp
Classification: Likely benign. Last evaluated: 2026-06-15. Review status: criteria provided, single submitter. Criteria: LabCorp Variant Classification Summary - May 2015. Collection method: clinical testing. Allele origin: germline.
Comment: Variant summary: LIFR c.2302A>G (p.Arg768Gly) results in a non-conservative amino acid change in the encoded protein sequence. Algorithms developed to predict the effect of missense changes on protein structure and function are either unavailable or do not agree on the potential impact of this missense change. The variant allele was found at a frequency of 0.0017 in 1613144 control chromosomes in the gnomAD database, including 8 homozygotes. This frequency is not significantly higher than estimated for disease-causing variants in LIFR, allowing no conclusion about variant significance. However, the observation of homozygous control(s) in the gnomAD database is not consistent with the onset/severity of LIFR-related conditions. To our knowledge, no occurrence of c.2302A>G in individuals affected with LIFR-related conditions and no experimental evidence demonstrating its impact on protein function have been reported. ClinVar contains an entry for this variant (Variation ID: 194624). Based on the evidence outlined above, the variant was classified as likely benign.

Labcorp Genetics (formerly Invitae), Labcorp
Classification: Likely benign. Last evaluated: 2026-01-28. Review status: criteria provided, single submitter. Criteria: Invitae Variant Classification Sherloc (09022015). Collection method: clinical testing. Allele origin: germline.

PreventionGenetics, part of Exact Sciences
Classification: Likely benign for LIFR-related condition. Last evaluated: 2025-12-01. Review status: criteria provided, single submitter. Criteria: ACMG Guidelines, 2015. Collection method: clinical testing. Allele origin: germline.
Comment: This variant is classified as likely benign based on ACMG/AMP sequence variant interpretation guidelines (Richards et al. 2015 PMID: 25741868, with internal and published modifications).

Blueprint Genetics
Classification: Likely benign. Last evaluated: 2024-11-25. Review status: criteria provided, single submitter. Criteria: ACMG Guidelines, 2015. Collection method: clinical testing. Allele origin: germline.

ARUP Laboratories, Molecular Genetics and Genomics, ARUP Laboratories
Classification: Likely benign for Stüve-Wiedemann syndrome 1. Last evaluated: 2023-10-06. Review status: criteria provided, single submitter. Criteria: ARUP Molecular Germline Variant Investigation Process 2024. Collection method: clinical testing. Allele origin: germline.

CeGaT Center for Human Genetics Tuebingen
Classification: Likely benign. Last evaluated: 2022-10-01. Review status: criteria provided, single submitter. Criteria: CeGaT Center For Human Genetics Tuebingen Variant Classification Criteria Version 2. Collection method: clinical testing. Allele origin: germline. Affected: yes. Observed: 1 variant allele.
Comment: LIFR: BP4

Genome Diagnostics Laboratory, The Hospital for Sick Children
Classification: Uncertain significance for Connective tissue disorder. Last evaluated: 2021-04-08. Review status: criteria provided, single submitter. Criteria: ACMG Guidelines, 2015. Collection method: clinical testing. Allele origin: germline.

GeneDx
Classification: Likely benign. Last evaluated: 2019-05-23. Review status: criteria provided, single submitter. Criteria: GeneDx Variant Classification Process June 2021. Collection method: clinical testing. Allele origin: germline. Affected: yes.

Illumina Laboratory Services, Illumina
Classification: Uncertain significance for Stüve-Wiedemann syndrome 1. Last evaluated: 2018-01-13. Review status: criteria provided, single submitter. Criteria: ICSL Variant Classification Criteria 13 December 2019. Collection method: clinical testing. Allele origin: germline.

Eurofins Ntd Llc (ga)
Classification: Uncertain significance. Last evaluated: 2015-05-20. Review status: criteria provided, single submitter. Criteria: EGL Classification Definitions 2015. Collection method: clinical testing. Allele origin: germline. Observed: 1 variant allele, 1 heterozygote.

Natera, Inc.
Classification: Benign for Stuve-Wiedemann syndrome. Last evaluated: 2020-04-03. Review status: no assertion criteria provided. Collection method: clinical testing. Allele origin: germline. Not counted in ClinVar's aggregate classification.